The following is an entry in ClinVar:

ClinVar aggregate classification (germline): Uncertain significance (1 of 4 stars; one submission).

Conditions:
Familial acute necrotizing encephalopathy (IIAE3). Also called: ENCEPHALOPATHY, ACUTE, INFECTION-INDUCED, SUSCEPTIBILITY TO, 3; Susceptibility to Acute Necrotizing Encephalopathy 1. Identifiers: Orphanet 88619, MedGen C2675556, MONDO:0011953, OMIM 608033.

Submission:

Labcorp Genetics (formerly Invitae), Labcorp
Classification: Uncertain significance for Familial acute necrotizing encephalopathy. Last evaluated: 2020-08-06. Review status: criteria provided, single submitter. Criteria: Invitae Variant Classification Sherloc (09022015). Collection method: clinical testing. Allele origin: germline.
Comment: In summary, the available evidence is currently insufficient to determine the role of this variant in disease. Therefore, it has been classified as a Variant of Uncertain Significance. Algorithms developed to predict the effect of missense changes on protein structure and function are either unavailable or do not agree on the potential impact of this missense change (SIFT: "Deleterious"; PolyPhen-2: "Benign"; Align-GVGD: "Class C25"). This variant has not been reported in the literature in individuals with RANBP2-related conditions. This variant is not present in population databases (ExAC no frequency). This sequence change replaces serine with arginine at codon 1128 of the RANBP2 protein (p.Ser1128Arg). The serine residue is highly conserved and there is a moderate physicochemical difference between serine and arginine.

NM_006267.5(RANBP2):c.3382A>C (p.Ser1128Arg)

Gene: RANBP2 (RAN binding protein 2; plus strand). Cytogenetic location: 2q13.
Variant type: single nucleotide variant.
Coding change: c.3382A>C on transcript NM_006267.5 (MANE Select); coding-DNA position 3382, A replaced by C.
Protein change: p.Ser1128Arg; replaces serine 1128 with arginine.
Molecular consequence: missense variant.
Genome position (GRCh38, 1-based): chr2:108,763,921, A>C. VCF-style: chr2-108763921-A-C. GRCh37 (hg19) VCF-style: chr2-109380377-A-C.
Other names: short protein forms S1128R.
Identifiers: ClinVar variation 1053656 (VCV001053656.10), dbSNP rs2149272683, ClinGen allele CA348061619.